The following is an entry in ClinVar:

ClinVar aggregate classification (germline): Uncertain significance (1 of 4 stars; one submission).

Conditions:
Peroxisome biogenesis disorder. Identifiers: Orphanet 79189, MedGen C1832200, MONDO:0019234. Disease mechanism: loss of function.

Allele frequency attached by ClinVar (database versions not stated): gnomAD exomes below 0.00001; TOPMed below 0.00001.
gnomAD v4.1: 3 of 1,566,980 alleles (0.00019%); highest among the groups gnomAD compares: Admixed American, 0.0037%; no homozygotes.

Submission:

Labcorp Genetics (formerly Invitae), Labcorp
Classification: Uncertain significance for Peroxisome biogenesis disorder. Last evaluated: 2022-05-27. Review status: criteria provided, single submitter. Criteria: Invitae Variant Classification Sherloc (09022015). Collection method: clinical testing. Allele origin: germline.
Comment: In summary, the available evidence is currently insufficient to determine the role of this variant in disease. Therefore, it has been classified as a Variant of Uncertain Significance. Algorithms developed to predict the effect of missense changes on protein structure and function output the following: SIFT: "Tolerated"; PolyPhen-2: "Benign"; Align-GVGD: "Class C0". The threonine amino acid residue is found in multiple mammalian species, which suggests that this missense change does not adversely affect protein function. This variant has not been reported in the literature in individuals affected with PEX6-related conditions. The frequency data for this variant in the population databases is considered unreliable, as metrics indicate poor data quality at this position in the gnomAD database. This sequence change replaces alanine, which is neutral and non-polar, with threonine, which is neutral and polar, at codon 164 of the PEX6 protein (p.Ala164Thr).

NM_000287.4(PEX6):c.490G>A (p.Ala164Thr)

Gene: PEX6 (peroxisomal biogenesis factor 6; minus strand). Cytogenetic location: 6p21.1.
Variant type: single nucleotide variant.
Coding change: c.490G>A on transcript NM_000287.4 (MANE Select); coding-DNA position 490, G replaced by A.
Protein change: p.Ala164Thr; replaces alanine 164 with threonine.
Molecular consequence: missense variant. On other transcripts: non-coding transcript variant (1).
Genome position (GRCh38, 1-based): chr6:42,978,661, C>T on the plus strand (G>A on the coding strand, the complement: PEX6 is on the minus strand). VCF-style: chr6-42978661-C-T. GRCh37 (hg19) VCF-style: chr6-42946399-C-T.
Other names: c.490G>A, p.Ala164Thr (NM_001316313.2); short protein forms A164T.
Identifiers: ClinVar variation 2161580 (VCV002161580.2), dbSNP rs754947387, ClinGen allele CA3811613.
Genomic context (GRCh38, chr6:42,978,661, plus strand): 5'-AGGACACCACGGGCGGGGGTGGGGGCCGACTGCTGTCCCCAGACTCTGGACACAGTCTGG[C>T]CCGCCCGCGGAGCTCAGTCACAGCCAGCCGAGTCCCTGGGCCCAGCAGCCCTTGCAACGC-3'
Protein context (NP_000278.3, residues 154-174): RLAVTELRGR[Ala164Thr]RLCPESGDSS